The following is an entry in ClinVar:

NM_001267550.2(TTN):c.5850C>T (p.His1950=)

Gene: TTN (titin; minus strand). Cytogenetic location: 2q31.2.
Variant type: single nucleotide variant.
Coding change: c.5850C>T on transcript NM_001267550.2 (MANE Select); coding-DNA position 5850, C replaced by T.
Protein change: p.His1950=; no amino-acid change (histidine 1950 retained).
Molecular consequence: synonymous variant.
Genome position (GRCh38, 1-based): chr2:178,776,014, G>A on the plus strand (C>T on the coding strand, the complement: TTN is on the minus strand). VCF-style: chr2-178776014-G-A. GRCh37 (hg19) VCF-style: chr2-179640741-G-A.
Other names: c.5850C>T, p.His1950= (NM_001256850.1, NM_133378.4, NM_133379.5); c.5712C>T, p.His1904= (NM_003319.4, NM_133432.3, NM_133437.4).
Identifiers: ClinVar variation 389558 (VCV000389558.10), dbSNP rs1057523471, ClinGen allele CA16604051.

ClinVar aggregate classification (germline): Likely benign. Review status: criteria provided, multiple submitters, no conflicts (2 of 4 stars). 3 submissions from 3 submitters: Likely benign (3). Last evaluated 2025-11-11.

Conditions:
Cardiovascular phenotype. Identifiers: MedGen CN230736.
Dilated cardiomyopathy 1G (CMD1G). Identifiers: Orphanet 154, MedGen C1858763, MONDO:0011400, OMIM 604145.
Autosomal recessive limb-girdle muscular dystrophy type 2J (LGMDR10). Also called: MUSCULAR DYSTROPHY, LIMB-GIRDLE, AUTOSOMAL RECESSIVE 10; Limb-girdle muscular dystrophy, type 2J. Identifiers: Orphanet 140922, MedGen C1837342, MONDO:0012127, OMIM 608807.

Allele frequency attached by ClinVar (database versions not stated): TOPMed 0.00002.
gnomAD v4.1: 8 of 1,613,970 alleles (0.0005%); highest among the groups gnomAD compares: East Asian, 0.0045%; no homozygotes.

Submissions (3):

Labcorp Genetics (formerly Invitae), Labcorp
Classification: Likely benign for Dilated cardiomyopathy 1G; Autosomal recessive limb-girdle muscular dystrophy type 2J. Last evaluated: 2025-11-11. Review status: criteria provided, single submitter. Criteria: Invitae Variant Classification Sherloc (09022015). Collection method: clinical testing. Allele origin: germline.

Ambry Genetics
Classification: Likely benign for Cardiovascular phenotype. Last evaluated: 2023-11-01. Review status: criteria provided, single submitter. Criteria: Ambry Variant Classification Scheme 2023. Collection method: clinical testing. Allele origin: germline.

GeneDx
Classification: Likely benign. Last evaluated: 2016-10-19. Review status: criteria provided, single submitter. Criteria: GeneDx Variant Classification (06012015). Collection method: clinical testing. Allele origin: germline. Affected: yes.
Comment: This variant is considered likely benign or benign based on one or more of the following criteria: it is a conservative change, it occurs at a poorly conserved position in the protein, it is predicted to be benign by multiple in silico algorithms, and/or has population frequency not consistent with disease.